The following is an entry in ClinVar:

ClinVar aggregate classification (germline): Conflicting classifications of pathogenicity. Review status: criteria provided, conflicting classifications (1 of 4 stars). 5 submissions from 5 submitters: Uncertain significance (1); Benign (1); Likely benign (1). 2 of the submissions do not count toward it. Last evaluated 2025-11-18.

Conditions:
GDF1-related disorder. Also called: GDF1-related condition.
Tetralogy of Fallot (TOF). Identifiers: Orphanet 3303, MedGen C0039685, MONDO:0008542, OMIM 187500, HP:0001636.

Allele frequency attached by ClinVar (database versions not stated): ExAC below 0.00001; gnomAD exomes 0.00021 and 0.00027; 1000 Genomes Project 0.00160; 1000 Genomes Project 30x 0.00234; TOPMed 0.00329.

Submissions (5):

Labcorp Genetics (formerly Invitae), Labcorp
Classification: Benign. Last evaluated: 2025-11-18. Review status: criteria provided, single submitter. Criteria: Invitae Variant Classification Sherloc (09022015). Collection method: clinical testing. Allele origin: germline.

Blueprint Genetics
Classification: Likely benign. Last evaluated: 2024-11-26. Review status: criteria provided, single submitter. Criteria: ACMG Guidelines, 2015. Collection method: clinical testing. Allele origin: germline.

Eurofins Ntd Llc (ga)
Classification: Uncertain significance. Last evaluated: 2014-07-29. Review status: criteria provided, single submitter. Criteria: EGL Classification Definitions 2015. Collection method: clinical testing. Allele origin: germline. Observed: 1 variant allele, 1 heterozygote.

PreventionGenetics, part of Exact Sciences
Classification: Likely benign for GDF1-related condition. Last evaluated: 2020-10-20. Review status: no assertion criteria provided. Collection method: clinical testing. Allele origin: germline. Not counted in ClinVar's aggregate classification.
Comment: This variant is classified as likely benign based on ACMG/AMP sequence variant interpretation guidelines (Richards et al. 2015 PMID: 25741868, with internal and published modifications).

OMIM
Classification: Pathogenic for TETRALOGY OF FALLOT. Last evaluated: 2007-11-01. Review status: no assertion criteria provided. Collection method: literature only. Allele origin: germline. Not counted in ClinVar's aggregate classification.

Literature cited by the submitters: PubMed 17924340 (cited by Eurofins Ntd Llc (ga) and OMIM).

NM_001492.6(GDF1):c.485G>A (p.Gly162Asp)

Genes: CERS1 (ceramide synthase 1; minus strand), GDF1 (growth differentiation factor 1; minus strand). Cytogenetic location: 19p13.11.
Variant type: single nucleotide variant.
Coding change: c.485G>A on transcript NM_001492.6 (MANE Select); coding-DNA position 485, G replaced by A.
Protein change: p.Gly162Asp; replaces glycine 162 with aspartic acid.
Molecular consequence: missense variant. On other transcripts: 3 prime UTR variant (2).
Genome position (GRCh38, 1-based): chr19:18,869,231, C>T on the plus strand (G>A on the coding strand, the complement: GDF1 is on the minus strand). VCF-style: chr19-18869231-C-T. GRCh37 (hg19) VCF-style: chr19-18980040-C-T.
Other names: c.*1346G>A (NM_001387440.1); c.*754G>A (NM_021267.5); c.485G>A, p.Gly162Asp (NM_001387438.1); short protein forms G162D.
Identifiers: ClinVar variation 6749 (VCV000006749.17), dbSNP rs121434424, ClinGen allele CA247596.
Genomic context (GRCh38, chr19:18,869,231, plus strand): 5'-AGCACCGGCCCGGGGTCCGCGCCCGCGCCCTGGCCCGCTTGCGCCACGCTCAGCTCCCAG[C>T]CGCCCTCCGGGGCTGCCGCCGCCGCCGCCGCGAAACGCAGCTCCAGGCGGGCCCGGCTCG-3'
Protein context (NP_001483.3, residues 152-172): AAAAAAAPEG[Gly162Asp]WELSVAQAGQ